The following is an entry in ClinVar:

NM_000258.3(MYL3):c.344T>C (p.Leu115Pro)

Gene: MYL3 (myosin light chain 3; minus strand). Cytogenetic location: 3p21.31.
Variant type: single nucleotide variant.
Coding change: c.344T>C on transcript NM_000258.3 (MANE Select); coding-DNA position 344, T replaced by C.
Protein change: p.Leu115Pro; replaces leucine 115 with proline.
Molecular consequence: missense variant.
Genome position (GRCh38, 1-based): chr3:46,859,612, A>G on the plus strand (T>C on the coding strand, the complement: MYL3 is on the minus strand). VCF-style: chr3-46859612-A-G. GRCh37 (hg19) VCF-style: chr3-46901102-A-G.
Other names: c.344T>C, p.Leu115Pro (NM_001406937.1, NM_001406938.1, NM_001406939.1); c.170T>C, p.Leu57Pro (NM_001406940.1, NM_001406941.1); short protein forms L115P, L57P.
Identifiers: ClinVar variation 2773986 (VCV002773986.2), dbSNP rs2544965379, ClinGen allele CA352496599.

ClinVar aggregate classification (germline): Uncertain significance (1 of 4 stars; one submission).

Conditions:
Cardiomyopathy (CMYO). Also called: Cardiomyopathies. Identifiers: Orphanet 167848, MedGen C0878544, MONDO:0004994, HP:0001638. Inheritance: Various modes of inheritance.

Submission:

Color Diagnostics, LLC DBA Color Health
Classification: Uncertain significance for Cardiomyopathy. Last evaluated: 2024-03-06. Review status: criteria provided, single submitter. Criteria: ACMG Guidelines, 2015. Collection method: clinical testing. Allele origin: germline.
Comment: This missense variant replaces leucine with proline at codon 115 of the MYL3 protein. Computational prediction suggests that this variant may have deleterious impact on protein structure and function (internally defined REVEL score threshold >= 0.7, PMID: 27666373). To our knowledge, functional studies have not been reported for this variant. This variant has not been reported in individuals affected with MYL3-related disorders in the literature. This variant has not been identified in the general population by the Genome Aggregation Database (gnomAD). The available evidence is insufficient to determine the role of this variant in disease conclusively. Therefore, this variant is classified as a Variant of Uncertain Significance.